The following is an entry in ClinVar:

ClinVar aggregate classification (germline): Uncertain significance (1 of 4 stars; one submission).

Submission:

GeneDx
Classification: Uncertain significance. Last evaluated: 2025-08-08. Review status: criteria provided, single submitter. Criteria: GeneDx Variant Classification Process June 2021. Collection method: clinical testing. Allele origin: germline. Affected: yes.
Comment: Not observed at significant frequency in large population cohorts (gnomAD); In silico analysis suggests that this missense variant does not alter protein structure/function; Has not been previously published as pathogenic or benign to our knowledge

NM_138615.3(DHX30):c.1825A>C (p.Ile609Leu)

Gene: DHX30 (DExH-box helicase 30; plus strand). Cytogenetic location: 3p21.31.
Variant type: single nucleotide variant.
Coding change: c.1825A>C on transcript NM_138615.3 (MANE Select); coding-DNA position 1825, A replaced by C.
Protein change: p.Ile609Leu; replaces isoleucine 609 with leucine.
Molecular consequence: missense variant.
Genome position (GRCh38, 1-based): chr3:47,846,897, A>C. VCF-style: chr3-47846897-A-C. GRCh37 (hg19) VCF-style: chr3-47888387-A-C.
Other names: c.1741A>C, p.Ile581Leu (NM_001330990.2); c.1708A>C, p.Ile570Leu (NM_014966.4); short protein forms I581L, I609L, I570L.
Identifiers: ClinVar variation 4795501 (VCV004795501.1).